The following is an entry in ClinVar:

ClinVar aggregate classification (germline): Likely pathogenic (1 of 4 stars; one submission).

Conditions:
AMHR2-related disorder. Also called: AMHR2-related condition.

Submission:

PreventionGenetics, part of Exact Sciences
Classification: Likely pathogenic for AMHR2-related condition. Last evaluated: 2025-05-29. Review status: criteria provided, single submitter. Criteria: ACMG Guidelines, 2015. Collection method: clinical testing. Allele origin: germline.
Comment: The AMHR2 c.1484G>A variant is predicted to result in the amino acid substitution p.Arg495Gln. This variant was reported in the heterozygous state in an individual with normosmic congenital hypogonadotropic hypogonadism and pubertal delay; At PreventionGenetics, this variant has been seen in trans with a likely pathogenic variant (internal data). This variant is reported in 0.0092% of alleles in individuals of European (Finnish) descent in gnomAD. This variant is interpreted as likely pathogenic.

NM_020547.3(AMHR2):c.1484G>A (p.Arg495Gln)

Gene: AMHR2 (anti-Mullerian hormone receptor type 2; plus strand). Cytogenetic location: 12q13.13.
Variant type: single nucleotide variant.
Coding change: c.1484G>A on transcript NM_020547.3 (MANE Select); coding-DNA position 1484, G replaced by A.
Protein change: p.Arg495Gln; replaces arginine 495 with glutamine.
Molecular consequence: missense variant. On other transcripts: 3 prime UTR variant (1).
Genome position (GRCh38, 1-based): chr12:53,431,235, G>A. VCF-style: chr12-53431235-G-A. GRCh37 (hg19) VCF-style: chr12-53825019-G-A.
Other names: c.*43G>A (NM_001164690.2); c.1199G>A, p.Arg400Gln (NM_001164691.2); short protein forms R400Q, R495Q.
Identifiers: ClinVar variation 4986123 (VCV004986123.1).